The following is an entry in ClinVar:

ClinVar aggregate classification (germline): Likely benign. Review status: reviewed by expert panel (3 of 4 stars). 10 submissions from 10 submitters: Likely benign (1). 9 of the submissions do not count toward it. Last evaluated 2017-06-29.

Conditions:
Hereditary cancer-predisposing syndrome. Also called: Hereditary neoplastic syndrome; Hereditary Cancer Syndrome; Neoplastic Syndromes, Hereditary; Tumor predisposition. Identifiers: Orphanet 140162, MedGen C0027672, MeSH D009386, MONDO:0015356.
Breast-ovarian cancer, familial, susceptibility to, 2 (BROVCA2). Also called: BRCA2 Hereditary Breast and Ovarian Cancer. Identifiers: Orphanet 145, MedGen C2675520, MONDO:0012933, OMIM 612555. Disease mechanism: loss of function.
Hereditary breast ovarian cancer syndrome. Also called: Hereditary breast and ovarian cancer syndrome; BRCA1- and BRCA2-Associated Hereditary Breast and Ovarian Cancer; Hereditary breast and/or ovarian cancer syndrome; Hereditary breast and ovarian cancer; Breast and ovarian cancer; Hereditary breast and ovarian cancer syndrome (HBOC). Identifiers: Orphanet 145, MedGen C0677776, MeSH D061325, MONDO:0003582. Disease mechanism: loss of function.

Allele frequency attached by ClinVar (database versions not stated): gnomAD exomes below 0.00001.
gnomAD v4.1: 2 of 1,613,898 alleles (0.00012%); highest among the groups gnomAD compares: Non-Finnish European, 0.00017%; no homozygotes.

Submissions (10):

Evidence-based Network for the Interpretation of Germline Mutant Alleles (ENIGMA)
Classification: Likely benign for Breast-ovarian cancer, familial, susceptibility to, 2. Last evaluated: 2017-06-29. Review status: reviewed by expert panel. Criteria: ENIGMA BRCA1/2 Classification Criteria (2017-06-29). Collection method: curation. Allele origin: germline.
Comment: Synonymous substitution variant, with low bioinformatic likelihood to result in a splicing aberration (Splicing prior probability 0.02).

Women's Health and Genetics/Laboratory Corporation of America, LabCorp
Classification: Likely benign. Last evaluated: 2026-01-31. Review status: criteria provided, single submitter. Criteria: LabCorp Variant Classification Summary - May 2015. Collection method: clinical testing. Allele origin: germline. Not counted in ClinVar's aggregate classification.

Labcorp Genetics (formerly Invitae), Labcorp
Classification: Likely benign for Hereditary breast ovarian cancer syndrome. Last evaluated: 2025-01-17. Review status: criteria provided, single submitter. Criteria: Invitae Variant Classification Sherloc (09022015). Collection method: clinical testing. Allele origin: germline. Not counted in ClinVar's aggregate classification.

All of Us Research Program, National Institutes of Health
Classification: Likely benign for Breast-ovarian cancer, familial, susceptibility to, 2. Last evaluated: 2023-10-30. Review status: criteria provided, single submitter. Criteria: ACMG Guidelines, 2015. Collection method: clinical testing. Allele origin: germline. Inheritance: Autosomal dominant inheritance. Observed: 2 variant alleles, 2 heterozygotes. Not counted in ClinVar's aggregate classification.
Comment: This study involves interpretation of variants in research participants for the purpose of population health screening. Participant phenotype was not available at the time of variant classification. Additional details can be found in publication PMID: 35346344, PMCID: PMC8962531

Color Diagnostics, LLC DBA Color Health
Classification: Likely benign for Hereditary cancer-predisposing syndrome. Last evaluated: 2022-05-13. Review status: criteria provided, single submitter. Criteria: ACMG Guidelines, 2015. Collection method: clinical testing. Allele origin: germline. Not counted in ClinVar's aggregate classification.

GeneDx
Classification: Likely benign. Last evaluated: 2018-11-15. Review status: criteria provided, single submitter. Criteria: GeneDx Variant Classification Process June 2021. Collection method: clinical testing. Allele origin: germline. Affected: yes. Not counted in ClinVar's aggregate classification.

Ambry Genetics
Classification: Likely benign for Hereditary cancer-predisposing syndrome. Last evaluated: 2015-11-03. Review status: criteria provided, single submitter. Criteria: Ambry Variant Classification Scheme 2023. Collection method: clinical testing. Allele origin: germline. Not counted in ClinVar's aggregate classification.

Clinical Genetics DNA and cytogenetics Diagnostics Lab, Erasmus MC, Erasmus Medical Center
Classification: Likely benign. Review status: no assertion criteria provided. Collection method: clinical testing. Allele origin: germline. Affected: yes. Study: VKGL Data-share Consensus. Not counted in ClinVar's aggregate classification.

Clinical Genetics Laboratory, Department of Pathology, Netherlands Cancer Institute
Classification: Likely benign. Review status: no assertion criteria provided. Collection method: clinical testing. Allele origin: germline. Affected: yes. Study: VKGL Data-share Consensus. Not counted in ClinVar's aggregate classification.

Joint Genome Diagnostic Labs from Nijmegen and Maastricht, Radboudumc and MUMC+
Classification: Likely benign. Review status: no assertion criteria provided. Collection method: clinical testing. Allele origin: germline. Affected: yes. Study: VKGL Data-share Consensus. Not counted in ClinVar's aggregate classification.

NM_000059.4(BRCA2):c.7692T>C (p.Thr2564=)

Gene: BRCA2 (BRCA2 DNA repair associated; plus strand). Cytogenetic location: 13q13.1.
Variant type: single nucleotide variant.
Coding change: c.7692T>C on transcript NM_000059.4 (MANE Select); coding-DNA position 7692, T replaced by C.
Protein change: p.Thr2564=; no amino-acid change (threonine 2564 retained).
Molecular consequence: synonymous variant.
Genome position (GRCh38, 1-based): chr13:32,357,816, T>C. VCF-style: chr13-32357816-T-C. GRCh37 (hg19) VCF-style: chr13-32931953-T-C.
Identifiers: ClinVar variation 427417 (VCV000427417.25), dbSNP rs1131692137, ClinGen allele CA483439187.
Genomic context (GRCh38, chr13:32,357,816, plus strand): 5'-CGTTTCTAAACATTGCATAAAAATTAACAGCAAAAATGCAGAGTCTTTTCAGTTTCACAC[T>C]GAAGATTATTTTGGTAAGGAAAGTTTATGGACTGGAAAAGGAATACAGTTGGCTGATGGT-3'
Protein context (NP_000050.3, residues 2554-2574): SKNAESFQFH[Thr2564=]EDYFGKESLW